The following is an entry in ClinVar:

ClinVar aggregate classification (germline): Likely benign (1 of 4 stars; one submission).

Conditions:
SPTA1-related disorder. Also called: SPTA1-related condition; SPTA1-related disorders.

gnomAD v4.1: 78 of 1,612,674 alleles (0.0048%); highest among the groups gnomAD compares: Middle Eastern, 0.02%; no homozygotes.

Submission:

PreventionGenetics, part of Exact Sciences
Classification: Likely benign for SPTA1-related condition. Last evaluated: 2024-11-15. Review status: criteria provided, single submitter. Criteria: ACMG Guidelines, 2015. Collection method: clinical testing. Allele origin: germline.
Comment: This variant is classified as likely benign based on ACMG/AMP sequence variant interpretation guidelines (Richards et al. 2015 PMID: 25741868, with internal and published modifications).

NM_003126.4(SPTA1):c.6788+12G>A

Gene: SPTA1 (spectrin alpha, erythrocytic 1; minus strand). Cytogenetic location: 1q23.1.
Variant type: single nucleotide variant.
Coding change: c.6788+12G>A on transcript NM_003126.4 (MANE Select); 12 bases into the intron after coding-DNA position 6788, G replaced by A.
Molecular consequence: intron variant.
Genome position (GRCh38, 1-based): chr1:158,615,204, C>T on the plus strand (G>A on the coding strand, the complement: SPTA1 is on the minus strand). VCF-style: chr1-158615204-C-T. GRCh37 (hg19) VCF-style: chr1-158584994-C-T.
Identifiers: ClinVar variation 4979673 (VCV004979673.1).